The following is an entry in ClinVar:

NM_206933.4(USH2A):c.6657+3_6657+6del

Gene: USH2A (usherin; minus strand). Cytogenetic location: 1q41.
Variant type: Deletion.
Coding change: c.6657+3_6657+6del on transcript NM_206933.4 (MANE Select); bases 3 to 6 of the intron after coding-DNA position 6657, 4 bases deleted (AAGT; older notation c.6657+3_6657+6delAAGT).
Molecular consequence: splice donor variant.
Genome position (GRCh38, 1-based): chr1:215,998,881-215,998,884, ACTT deleted on the plus strand (AAGT on the coding strand, the reverse complement: USH2A is on the minus strand); deleting any 4 consecutive bases within chr1:215,998,881-215,998,887 gives the same sequence; the c. name uses the placement nearest the transcript's 3' end. VCF-style (leftmost placement, unchanged base first): chr1-215998880-AACTT-A. GRCh37 (hg19) VCF-style: chr1-216172222-AACTT-A.
Identifiers: ClinVar variation 5003492 (VCV005003492.1).
Genomic context (GRCh38, chr1:215,998,880, plus strand): 5'-TGGACCACGGGAAGGGGAGAAGAAGTGGAAGGAATGGGGACAGAGAAAGTGATGGAAATA[AACTT>A]ACTCCCAGCTTGATGAGATATTTATTACCAGGTAAAACGTATTGTAGCATATGATCCTGG-3'

ClinVar aggregate classification (germline): Uncertain significance (1 of 4 stars; one submission).

Conditions:
USH2A-related disorder. Also called: USH2A-related disorders; USH2A-related condition. Identifiers: MedGen CN239332.

Submission:

Myriad Genetics, Inc.
Classification: Uncertain significance for USH2A-related disorder. Last evaluated: 2025-12-29. Review status: criteria provided, single submitter. Criteria: Myriad Autosomal Dominant, Autosomal Recessive and X-Linked Classification Criteria (2023). Collection method: clinical testing. Allele origin: unknown.
Comment: NM_206933.2(USH2A):c.6657+3_6657+6delAAGT is an intronic variant classified as a variant of uncertain significance in the context of USH2A-related disorders. c.6657+3_6657+6delAAGT has been observed in a case with relevant disease (PMID: 28944237). Relevant functional assessments of this variant are not available in the literature. c.6657+3_6657+6delAAGT has not been observed in referenced population frequency databases. In summary, there is insufficient evidence to classify NM_206933.2(USH2A):c.6657+3_6657+6delAAGT as pathogenic or benign. Please note: this variant was assessed in the context of healthy population screening.

Literature cited by the submitters: PubMed 28944237.